The following is an entry in ClinVar:

ClinVar aggregate classification (germline): Pathogenic/Likely pathogenic. Review status: criteria provided, multiple submitters, no conflicts (2 of 4 stars). 6 submissions from 6 submitters: Pathogenic (2); Likely pathogenic (1). 3 of the submissions do not count toward it. Last evaluated 2024-10-30.

Conditions:
Baraitser-winter syndrome 2. Identifiers: Orphanet 2995, MedGen C3281235, MONDO:0013812, OMIM 614583.
Autosomal dominant nonsyndromic hearing loss 20. Identifiers: Orphanet 90635, MedGen C1858172, MONDO:0011480, OMIM 604717.

Submissions (6):

GeneDx
Classification: Pathogenic. Last evaluated: 2024-10-30. Review status: criteria provided, single submitter. Criteria: GeneDx Variant Classification Process June 2021. Collection method: clinical testing. Allele origin: germline. Affected: yes.
Comment: Not observed at significant frequency in large population cohorts (gnomAD); Missense variants in this gene are a common cause of disease and they are underrepresented in the general population; In silico analysis supports that this missense variant has a deleterious effect on protein structure/function; This variant is associated with the following publications: (PMID: 28496999, 29620237, 28569743, 35054877, 25052316, 26659599, 26147798, 29372643, 22366783)

Labcorp Genetics (formerly Invitae), Labcorp
Classification: Likely pathogenic for Baraitser-winter syndrome 2; Autosomal dominant nonsyndromic hearing loss 20. Last evaluated: 2021-12-24. Review status: criteria provided, single submitter. Criteria: Invitae Variant Classification Sherloc (09022015). Collection method: clinical testing. Allele origin: germline.
Comment: In summary, the currently available evidence indicates that the variant is pathogenic, but additional data are needed to prove that conclusively. Therefore, this variant has been classified as Likely Pathogenic. Algorithms developed to predict the effect of missense changes on protein structure and function are either unavailable or do not agree on the potential impact of this missense change (SIFT: "Deleterious"; PolyPhen-2: "Benign"; Align-GVGD: "Class C0"). ClinVar contains an entry for this variant (Variation ID: 29587). This missense change has been observed in individual(s) with clinical features of Baraitser-Winter cerebrofrontofacial syndrome (PMID: 22366783, 25052316; Invitae). In at least one individual the variant was observed to be de novo. This variant is not present in population databases (gnomAD no frequency). This sequence change replaces alanine, which is neutral and non-polar, with valine, which is neutral and non-polar, at codon 135 of the ACTG1 protein (p.Ala135Val).

CeGaT Center for Human Genetics Tuebingen
Classification: Pathogenic. Last evaluated: 2017-02-01. Review status: criteria provided, single submitter. Criteria: CeGaT Center For Human Genetics Tuebingen Variant Classification Criteria Version 2. Collection method: clinical testing. Allele origin: germline. Affected: yes. Observed: 1 variant allele.

Department of Genetics, Robert DEBRE University Hospital
Classification: Pathogenic for Baraitser-Winter Syndrome 2. Last evaluated: 2014-04-15. Review status: no assertion criteria provided. Collection method: clinical testing. Allele origin: germline. Affected: yes. Observed: 1 variant allele. Not counted in ClinVar's aggregate classification.

OMIM
Classification: Pathogenic for BARAITSER-WINTER SYNDROME 2. Last evaluated: 2012-02-26. Review status: no assertion criteria provided. Collection method: literature only. Allele origin: germline. Not counted in ClinVar's aggregate classification.

UniProtKB/Swiss-Prot
No classification provided. Review status: no classification provided. Collection method: not provided. Allele origin: not provided. Not counted in ClinVar's aggregate classification.

Literature cited by the submitters: PubMed 22366783 (cited by Labcorp Genetics (formerly Invitae), Labcorp and OMIM); PubMed 25052316 (cited by Labcorp Genetics (formerly Invitae), Labcorp and Department of Genetics, Robert DEBRE University Hospital).

NM_001614.5(ACTG1):c.404C>T (p.Ala135Val)

Gene: ACTG1 (actin gamma 1; minus strand). Cytogenetic location: 17q25.3.
Variant type: single nucleotide variant.
Coding change: c.404C>T on transcript NM_001614.5 (MANE Select); coding-DNA position 404, C replaced by T.
Protein change: p.Ala135Val; replaces alanine 135 with valine.
Molecular consequence: missense variant. On other transcripts: non-coding transcript variant (1).
Genome position (GRCh38, 1-based): chr17:81,511,586, G>A on the plus strand (C>T on the coding strand, the complement: ACTG1 is on the minus strand). VCF-style: chr17-81511586-G-A. GRCh37 (hg19) VCF-style: chr17-79478612-G-A.
Other names: c.404C>T, p.Ala135Val (NM_001199954.3); short protein forms A135V.
Identifiers: ClinVar variation 29587 (VCV000029587.46), dbSNP rs11549190, ClinGen allele CA219948.
Genomic context (GRCh38, chr17:81,511,586, plus strand): 5'-GAGTCCATGACAATGCCAGTGGTGCGCCCAGAGGCGTAGAGGGACAGCACGGCCTGGATG[G>A]CCACGTACATGGCCGGGGTGTTGAAGGTCTCAAACATAATCTGAGAAGGGACAAGGGGCG-3'
Protein context (NP_001605.1, residues 125-145): ETFNTPAMYV[Ala135Val]IQAVLSLYAS